The following is an entry in ClinVar:

NM_000137.4(FAH):c.455G>A (p.Trp152Ter)

Gene: FAH (fumarylacetoacetate hydrolase; plus strand). Cytogenetic location: 15q25.1.
Variant type: single nucleotide variant.
Coding change: c.455G>A on transcript NM_000137.4 (MANE Select); coding-DNA position 455, G replaced by A.
Protein change: p.Trp152Ter; replaces tryptophan 152 with a stop codon.
Molecular consequence: nonsense.
Genome position (GRCh38, 1-based): chr15:80,162,336, G>A. VCF-style: chr15-80162336-G-A. GRCh37 (hg19) VCF-style: chr15-80454678-G-A.
Other names: c.455G>A, p.Trp152Ter (NM_001374377.1, NM_001374380.1); short protein forms W152*.
Identifiers: ClinVar variation 370677 (VCV000370677.12), dbSNP rs1057516679, ClinGen allele CA16041755.

ClinVar aggregate classification (germline): Pathogenic. Review status: criteria provided, single submitter (1 of 4 stars). 2 submissions from 2 submitters: Pathogenic (1). 1 of the submissions does not count toward it. Last evaluated 2021-03-31.

Conditions:
Tyrosinemia type I (TYRSN1). Also called: HEPATORENAL TYROSINEMIA; Tyrosinemia type 1; Fumarylacetoacetase deficiency; Deficiency of fumarylacetoacetase; FAH DEFICIENCY. Identifiers: Orphanet 882, MedGen C0268490, MONDO:0010161, OMIM 276700. Disease mechanism: loss of function.

Allele frequency attached by ClinVar (database versions not stated): TOPMed 0.00001.

Submissions (2):

Labcorp Genetics (formerly Invitae), Labcorp
Classification: Pathogenic for Tyrosinemia type I. Last evaluated: 2021-03-31. Review status: criteria provided, single submitter. Criteria: Invitae Variant Classification Sherloc (09022015). Collection method: clinical testing. Allele origin: germline.
Comment: For these reasons, this variant has been classified as Pathogenic. Algorithms developed to predict the effect of sequence changes on RNA splicing suggest that this variant may disrupt the consensus splice site, but this prediction has not been confirmed by published transcriptional studies. This variant has been observed in individual(s) with tyrosinemia type I (PMID: 23927806, 31030436, 30414057, 23225041). In at least one individual the data is consistent with the variant being in trans (on the opposite chromosome) from a pathogenic variant. ClinVar contains an entry for this variant (Variation ID: 370677). This variant is not present in population databases (ExAC no frequency). This sequence change creates a premature translational stop signal (p.Trp152*) in the FAH gene. It is expected to result in an absent or disrupted protein product. Loss-of-function variants in FAH are known to be pathogenic (PMID: 9101289, 9633815).

Counsyl
Classification: Likely pathogenic for Tyrosinemia type I. Last evaluated: 2016-03-22. Review status: no assertion criteria provided. Collection method: clinical testing. Allele origin: unknown. Not counted in ClinVar's aggregate classification.

Literature cited by the submitters: PubMed 23927806 (cited by Labcorp Genetics (formerly Invitae), Labcorp); PubMed 31030436 (cited by Labcorp Genetics (formerly Invitae), Labcorp); PubMed 30414057 (cited by Labcorp Genetics (formerly Invitae), Labcorp); PubMed 23225041 (cited by Labcorp Genetics (formerly Invitae), Labcorp and Counsyl); PubMed 9101289 (cited by Labcorp Genetics (formerly Invitae), Labcorp); PubMed 9633815 (cited by Labcorp Genetics (formerly Invitae), Labcorp).